The following is an entry in ClinVar:

NM_000548.5(TSC2):c.976-8T>C

Gene: TSC2 (TSC complex subunit 2; plus strand). Cytogenetic location: 16p13.3.
Variant type: single nucleotide variant.
Coding change: c.976-8T>C on transcript NM_000548.5 (MANE Select); 8 bases into the intron before coding-DNA position 976, T replaced by C.
Molecular consequence: intron variant.
Genome position (GRCh38, 1-based): chr16:2,060,662, T>C. VCF-style: chr16-2060662-T-C. GRCh37 (hg19) VCF-style: chr16-2110663-T-C.
Other names: c.976-8T>C (NM_001114382.3, NM_021055.3, NM_001370405.1 and 3 more transcripts); c.865-8T>C (NM_001318827.2); c.376-8T>C (NM_001318831.2); c.829-8T>C (NM_001318829.2); c.1009-8T>C (NM_001318832.2).
Identifiers: ClinVar variation 1126503 (VCV001126503.10), dbSNP rs2151134100, ClinGen allele CA2499223275.

ClinVar aggregate classification (germline): Likely benign. Review status: criteria provided, multiple submitters, no conflicts (2 of 4 stars). 2 submissions from 2 submitters: Likely benign (2). Last evaluated 2025-05-13.

Conditions:
Tuberous sclerosis 2 (TSC2). Identifiers: Orphanet 805, MedGen C1860707, MONDO:0013199, OMIM 613254.

Submissions (2):

Myriad Genetics, Inc.
Classification: Likely benign for Tuberous sclerosis 2. Last evaluated: 2025-05-13. Review status: criteria provided, single submitter. Criteria: Myriad Autosomal Dominant, Autosomal Recessive and X-Linked Classification Criteria (2023). Collection method: clinical testing. Allele origin: unknown.
Comment: This variant is considered likely benign. This variant is intronic and is not expected to impact mRNA splicing.

Labcorp Genetics (formerly Invitae), Labcorp
Classification: Likely benign for Tuberous sclerosis 2. Last evaluated: 2020-09-16. Review status: criteria provided, single submitter. Criteria: Invitae Variant Classification Sherloc (09022015). Collection method: clinical testing. Allele origin: germline.